The following is an entry in ClinVar:

ClinVar aggregate classification (germline): Pathogenic (1 of 4 stars; one submission).

Submission:

GeneDx
Classification: Pathogenic. Last evaluated: 2026-02-03. Review status: criteria provided, single submitter. Criteria: GeneDx Variant Classification Process June 2021. Collection method: clinical testing. Allele origin: germline.
Comment: Not observed at significant frequency in large population cohorts (gnomAD); In silico analysis supports that this missense variant has a deleterious effect on protein structure/function; Has not been previously published as pathogenic or benign to our knowledge

NM_006766.5(KAT6A):c.4655A>T (p.Asp1552Val)

Gene: KAT6A (lysine acetyltransferase 6A; minus strand). Cytogenetic location: 8p11.21.
Variant type: single nucleotide variant.
Coding change: c.4655A>T on transcript NM_006766.5 (MANE Select); coding-DNA position 4655, A replaced by T.
Protein change: p.Asp1552Val; replaces aspartic acid 1552 with valine.
Molecular consequence: missense variant.
Genome position (GRCh38, 1-based): chr8:41,933,565, T>A on the plus strand (A>T on the coding strand, the complement: KAT6A is on the minus strand). VCF-style: chr8-41933565-T-A. GRCh37 (hg19) VCF-style: chr8-41791083-T-A.
Other names: short protein forms D1552V.
Identifiers: ClinVar variation 4887896 (VCV004887896.1).